The following is an entry in ClinVar:

NM_000526.5(KRT14):c.386A>G (p.Tyr129Cys)

Gene: KRT14 (keratin 14; minus strand). Cytogenetic location: 17q21.2.
Variant type: single nucleotide variant.
Coding change: c.386A>G on transcript NM_000526.5 (MANE Select); coding-DNA position 386, A replaced by G.
Protein change: p.Tyr129Cys; replaces tyrosine 129 with cysteine.
Molecular consequence: missense variant.
Genome position (GRCh38, 1-based): chr17:41,586,449, T>C on the plus strand (A>G on the coding strand, the complement: KRT14 is on the minus strand). VCF-style: chr17-41586449-T-C. GRCh37 (hg19) VCF-style: chr17-39742701-T-C.
Other names: short protein forms Y129C.
Identifiers: ClinVar variation 66354 (VCV000066354.5), dbSNP rs60352920, ClinGen allele CA216933.
Genomic context (GRCh38, chr17:41,586,449, plus strand): 5'-TCACGGATCTTCACTTCCAGGTCGGCGTTGGCCTCCTCCAGAGCACGCACCTTGTCCAGG[T>C]AGGAGGCCAGGCGGTCATTGAGGTTCTGCATGGTCACCTTCTCACTGCCCACCAGAAGCC-3'
Protein context (NP_000517.3, residues 119-139): MQNLNDRLAS[Tyr129Cys]LDKVRALEEA

ClinVar aggregate classification (germline): Pathogenic/Likely pathogenic. Review status: criteria provided, multiple submitters, no conflicts (2 of 4 stars). 3 submissions from 3 submitters: Pathogenic (1); Likely pathogenic (1). 1 of the submissions does not count toward it. Last evaluated 2025-08-21.

Conditions:
KRT14-related disorder. Also called: KRT14-related condition.

Submissions (3):

Labcorp Genetics (formerly Invitae), Labcorp
Classification: Pathogenic. Last evaluated: 2025-08-21. Review status: criteria provided, single submitter. Criteria: Invitae Variant Classification Sherloc (09022015). Collection method: clinical testing. Allele origin: germline.
Comment: This sequence change replaces tyrosine, which is neutral and polar, with cysteine, which is neutral and slightly polar, at codon 129 of the KRT14 protein (p.Tyr129Cys). This variant is not present in population databases (gnomAD no frequency). This missense change has been observed in individuals with autosomal dominant epidermolysis bullosa simplex (PMID: 17039244, 36430820; internal data). ClinVar contains an entry for this variant (Variation ID: 66354). Invitae Evidence Modeling of protein sequence and biophysical properties (such as structural, functional, and spatial information, amino acid conservation, physicochemical variation, residue mobility, and thermodynamic stability) indicates that this missense variant is expected to disrupt KRT14 protein function with a positive predictive value of 80%. This variant disrupts the p.Tyr129 amino acid residue in KRT14. Other variant(s) that disrupt this residue have been observed in individuals with KRT14-related conditions (PMID: 8601736, 28561874), which suggests that this may be a clinically significant amino acid residue. For these reasons, this variant has been classified as Pathogenic.

Blueprint Genetics
Classification: Likely pathogenic for KRT14-related disorders. Last evaluated: 2021-08-01. Review status: criteria provided, single submitter. Criteria: ACMG Guidelines, 2015. Collection method: clinical testing. Allele origin: germline. Affected: yes. Observed: 1 variant allele.

Epithelial Biology;  Institute of Medical Biology, Singapore
No classification provided. Review status: no classification provided. Collection method: not provided. Allele origin: not provided. Not counted in ClinVar's aggregate classification.

Literature cited by the submitters: PubMed 17039244 (cited by Labcorp Genetics (formerly Invitae), Labcorp); PubMed 36430820 (cited by Labcorp Genetics (formerly Invitae), Labcorp); PubMed 8601736 (cited by Labcorp Genetics (formerly Invitae), Labcorp); PubMed 28561874 (cited by Labcorp Genetics (formerly Invitae), Labcorp).